The following is an entry in ClinVar:

NM_006226.4(PLCL1):c.2722A>T (p.Ile908Phe)

Gene: PLCL1 (phospholipase C like 1 (inactive); plus strand). Cytogenetic location: 2q33.1.
Variant type: single nucleotide variant.
Coding change: c.2722A>T on transcript NM_006226.4 (MANE Select); coding-DNA position 2722, A replaced by T.
Protein change: p.Ile908Phe; replaces isoleucine 908 with phenylalanine.
Molecular consequence: missense variant.
Genome position (GRCh38, 1-based): chr2:198,088,864, A>T. VCF-style: chr2-198088864-A-T. GRCh37 (hg19) VCF-style: chr2-198953588-A-T.
Other names: c.2722A>T, p.Ile908Phe (NM_001114661.1); short protein forms I908F.
Identifiers: ClinVar variation 2372198 (VCV002372198.26), dbSNP rs142389942, ClinGen allele CA2045581.
Genomic context (GRCh38, chr2:198,088,864, plus strand): 5'-GGCGGTGATGTGTCAGGTGGTCAGAAGTGTGATTCCATGTTTTCTTCCTCACAGAATGCA[A>T]TCGTGTCTATTAAGGAACTATGTGGACTCCCTCCAATTGCCAGTCTGAAGCAGTGCCTGT-3'
Protein context (NP_006217.3, residues 898-918): IDMRENMQNA[Ile908Phe]VSIKELCGLP

ClinVar aggregate classification (germline): Conflicting classifications of pathogenicity. Review status: criteria provided, conflicting classifications (1 of 4 stars). 2 submissions from 2 submitters: Uncertain significance (1); Likely benign (1). Last evaluated 2023-05-01.

Allele frequency attached by ClinVar (database versions not stated): ExAC 0.00074; ESP Exome Variant Server 0.00115; 1000 Genomes Project 30x 0.00031; 1000 Genomes Project 0.00040.
gnomAD v4.1: 2,327 of 1,601,206 alleles (0.15%); highest among the groups gnomAD compares: Non-Finnish European, 0.18%; 1 homozygote.

Submissions (2):

CeGaT Center for Human Genetics Tuebingen
Classification: Likely benign. Last evaluated: 2023-05-01. Review status: criteria provided, single submitter. Criteria: CeGaT Center For Human Genetics Tuebingen Variant Classification Criteria Version 2. Collection method: clinical testing. Allele origin: germline. Affected: yes. Observed: 2 variant alleles.
Comment: PLCL1: BP4

Ambry Genetics
Classification: Uncertain significance. Last evaluated: 2021-08-02. Review status: criteria provided, single submitter. Criteria: Ambry Variant Classification Scheme 2023. Collection method: clinical testing. Allele origin: germline.